The following is an entry in ClinVar:

NM_020822.3(KCNT1):c.2615G>A (p.Cys872Tyr)

Gene: KCNT1 (potassium sodium-activated channel subfamily T member 1; plus strand). Cytogenetic location: 9q34.3.
Variant type: single nucleotide variant.
Coding change: c.2615G>A on transcript NM_020822.3 (MANE Select); coding-DNA position 2615, G replaced by A.
Protein change: p.Cys872Tyr; replaces cysteine 872 with tyrosine.
Molecular consequence: missense variant.
Genome position (GRCh38, 1-based): chr9:135,778,708, G>A. VCF-style: chr9-135778708-G-A. GRCh37 (hg19) VCF-style: chr9-138670554-G-A.
Other names: c.2480G>A, p.Cys827Tyr (NM_001272003.2); short protein forms C827Y, C872Y.
Identifiers: ClinVar variation 2504743 (VCV002504743.4), dbSNP rs769546006, ClinGen allele CA5327373.

ClinVar aggregate classification (germline): Uncertain significance. Review status: criteria provided, multiple submitters, no conflicts (2 of 4 stars). 2 submissions from 2 submitters: Uncertain significance (2). Last evaluated 2023-08-29.

Conditions:
Autosomal dominant nocturnal frontal lobe epilepsy 5. Also called: Epilepsy, nocturnal frontal lobe, 5; KCNT1-Related Epilepsy; CILIARY DYSKINESIA, PRIMARY, 28, WITHOUT SITUS INVERSUS; CILIARY DYSKINESIA, PRIMARY, 28, WITH SITUS INVERSUS. Identifiers: Orphanet 98784, MedGen C3554306, MONDO:0014002, OMIM 615005.
Developmental and epileptic encephalopathy, 14 (DEE14). Also called: Early infantile epileptic encephalopathy 14. Identifiers: Orphanet 293181, MedGen C3554195, MONDO:0013989, OMIM 614959.

Allele frequency attached by ClinVar (database versions not stated): TOPMed below 0.00001; ExAC 0.00001; gnomAD exomes 0.00001.
gnomAD v4.1: 11 of 1,613,498 alleles (0.00068%); highest among the groups gnomAD compares: East Asian, 0.0022%; no homozygotes.

Submissions (2):

Labcorp Genetics (formerly Invitae), Labcorp
Classification: Uncertain significance for Autosomal dominant nocturnal frontal lobe epilepsy 5; Developmental and epileptic encephalopathy, 14. Last evaluated: 2023-08-29. Review status: criteria provided, single submitter. Criteria: Invitae Variant Classification Sherloc (09022015). Collection method: clinical testing. Allele origin: germline.
Comment: In summary, the available evidence is currently insufficient to determine the role of this variant in disease. Therefore, it has been classified as a Variant of Uncertain Significance. Advanced modeling of protein sequence and biophysical properties (such as structural, functional, and spatial information, amino acid conservation, physicochemical variation, residue mobility, and thermodynamic stability) has been performed at Invitae for this missense variant, however the output from this modeling did not meet the statistical confidence thresholds required to predict the impact of this variant on KCNT1 protein function. ClinVar contains an entry for this variant (Variation ID: 2504743). This variant has not been reported in the literature in individuals affected with KCNT1-related conditions. This variant is present in population databases (rs769546006, gnomAD 0.006%). This sequence change replaces cysteine, which is neutral and slightly polar, with tyrosine, which is neutral and polar, at codon 872 of the KCNT1 protein (p.Cys872Tyr).

GeneDx
Classification: Uncertain significance. Last evaluated: 2022-12-07. Review status: criteria provided, single submitter. Criteria: GeneDx Variant Classification Process June 2021. Collection method: clinical testing. Allele origin: germline. Affected: yes.
Comment: In silico analysis supports that this missense variant has a deleterious effect on protein structure/function; Has not been previously published as pathogenic or benign to our knowledge